The following is an entry in ClinVar:

NM_004281.4(BAG3):c.400T>A (p.Ser134Thr)

Gene: BAG3 (BAG cochaperone 3; plus strand). Cytogenetic location: 10q26.11.
Variant type: single nucleotide variant.
Coding change: c.400T>A on transcript NM_004281.4 (MANE Select); coding-DNA position 400, T replaced by A.
Protein change: p.Ser134Thr; replaces serine 134 with threonine.
Molecular consequence: missense variant.
Genome position (GRCh38, 1-based): chr10:119,670,070, T>A. VCF-style: chr10-119670070-T-A. GRCh37 (hg19) VCF-style: chr10-121429582-T-A.
Other names: short protein forms S134T.
Identifiers: ClinVar variation 162776 (VCV000162776.31), dbSNP rs375257731, ClinGen allele CA175288.

ClinVar aggregate classification (germline): Conflicting classifications of pathogenicity. Review status: criteria provided, conflicting classifications (1 of 4 stars). 8 submissions from 7 submitters: Uncertain significance (2); Benign (1); Likely benign (5). Last evaluated 2026-02-01.

Conditions:
Cardiovascular phenotype. Identifiers: MedGen CN230736.
BAG3-related disorder. Also called: BAG3-related condition.
Myofibrillar myopathy 6. Identifiers: Orphanet 199340, MedGen C2751831, MONDO:0013061, OMIM 612954.
Dilated cardiomyopathy 1HH (CMD1HH). Identifiers: Orphanet 154, MedGen C3151293, MONDO:0013479, OMIM 613881.

Allele frequency attached by ClinVar (database versions not stated): gnomAD exomes 0.00004 and 0.00013; TOPMed 0.00005; gnomAD 0.00006 and 0.00017; ExAC 0.00013; 1000 Genomes Project 0.00120; 1000 Genomes Project 30x 0.00156.
gnomAD v4.1: 103 of 1,613,998 alleles (0.0064%); highest among the groups gnomAD compares: East Asian, 0.067%; 2 homozygotes.

Submissions (8):

Labcorp Genetics (formerly Invitae), Labcorp
Classification: Likely benign for Dilated cardiomyopathy 1HH; Myofibrillar myopathy 6. Last evaluated: 2026-02-01. Review status: criteria provided, single submitter. Criteria: Invitae Variant Classification Sherloc (09022015). Collection method: clinical testing. Allele origin: germline.

Blueprint Genetics
Classification: Likely benign. Last evaluated: 2024-10-30. Review status: criteria provided, single submitter. Criteria: ACMG Guidelines, 2015. Collection method: clinical testing. Allele origin: germline.

PreventionGenetics, part of Exact Sciences
Classification: Likely benign for BAG3-related condition. Last evaluated: 2024-10-18. Review status: criteria provided, single submitter. Criteria: ACMG Guidelines, 2015. Collection method: clinical testing. Allele origin: germline.
Comment: This variant is classified as likely benign based on ACMG/AMP sequence variant interpretation guidelines (Richards et al. 2015 PMID: 25741868, with internal and published modifications).

Ambry Genetics
Classification: Likely benign for Cardiovascular phenotype. Last evaluated: 2022-08-17. Review status: criteria provided, single submitter. Criteria: Ambry Variant Classification Scheme 2023. Collection method: clinical testing. Allele origin: germline.

GeneDx
Classification: Likely benign. Last evaluated: 2021-04-24. Review status: criteria provided, single submitter. Criteria: GeneDx Variant Classification Process June 2021. Collection method: clinical testing. Allele origin: germline. Affected: yes.

Illumina Laboratory Services, Illumina
Classification: Uncertain significance for Dilated cardiomyopathy 1HH. Last evaluated: 2018-01-12. Review status: criteria provided, single submitter. Criteria: ICSL Variant Classification Criteria 13 December 2019. Collection method: clinical testing. Allele origin: germline.

Illumina Laboratory Services, Illumina
Classification: Benign for Myofibrillar myopathy 6. Last evaluated: 2018-01-12. Review status: criteria provided, single submitter. Criteria: ICSL Variant Classification Criteria 13 December 2019. Collection method: clinical testing. Allele origin: germline.
Comment: This variant was observed in the ICSL laboratory as part of a predisposition screen in an ostensibly healthy population. It had not been previously curated by ICSL or reported in the Human Gene Mutation Database (HGMD: prior to June 1st, 2018), and was therefore a candidate for classification through an automated scoring system. Utilizing variant allele frequency, disease prevalence and penetrance estimates, and inheritance mode, an automated score was calculated to assess if this variant is too frequent to cause the disease. Based on the score and internal cut-off values, a variant classified as benign is not then subjected to further curation. The score for this variant resulted in a classification of benign for this disease.

Laboratory for Molecular Medicine, Mass General Brigham Personalized Medicine
Classification: Uncertain significance. Last evaluated: 2013-04-09. Review status: criteria provided, single submitter. Criteria: LMM Criteria. Collection method: clinical testing. Allele origin: germline. Observed: 1 variant allele.
Comment: The Ser134Thr variant in BAG3 has not been reported in the literature nor previo usly identified by our laboratory. This variant has also not been identified in large European American and African American populations by the NHLBI Exome Sequ encing Project, though it may be present in o ther populations. Computational analyses (biochemical amino acid properties, con servation, AlignGVGD, PolyPhen2, and SIFT) suggest that this variant may not imp act the protein, though this information is not predictive enough to rule out pa thogenicity. At this time, additional studies are needed to fully assess the cli nical significance of this variant.